The following is an entry in ClinVar:

ClinVar aggregate classification (germline): Uncertain significance. Review status: criteria provided, single submitter (1 of 4 stars). 2 submissions from 2 submitters: Uncertain significance (1). 1 of the submissions does not count toward it. Last evaluated 2022-11-01.

Conditions:
Nephronophthisis. Also called: Juvenile Nephronophthisis. Identifiers: Orphanet 655, MedGen C0687120, MONDO:0019005, HP:0000090.

Allele frequency attached by ClinVar (database versions not stated): gnomAD exomes below 0.00001 and 0.00001; ExAC 0.00001.
gnomAD v4.1: 2 of 1,611,688 alleles (0.00012%); highest among the groups gnomAD compares: Admixed American, 0.0033%; no homozygotes.

Submissions (2):

Labcorp Genetics (formerly Invitae), Labcorp
Classification: Uncertain significance for Nephronophthisis. Last evaluated: 2022-11-01. Review status: criteria provided, single submitter. Criteria: Invitae Variant Classification Sherloc (09022015). Collection method: clinical testing. Allele origin: germline.
Comment: This sequence change replaces glutamic acid, which is acidic and polar, with glycine, which is neutral and non-polar, at codon 119 of the NPHP1 protein (p.Glu119Gly). This variant is present in population databases (rs745835094, gnomAD 0.006%). This variant has not been reported in the literature in individuals affected with NPHP1-related conditions. ClinVar contains an entry for this variant (Variation ID: 1480915). Advanced modeling of protein sequence and biophysical properties (such as structural, functional, and spatial information, amino acid conservation, physicochemical variation, residue mobility, and thermodynamic stability) performed at Invitae indicates that this missense variant is not expected to disrupt NPHP1 protein function. In summary, the available evidence is currently insufficient to determine the role of this variant in disease. Therefore, it has been classified as a Variant of Uncertain Significance.

Genetic Services Laboratory, University of Chicago
Classification: Uncertain significance. Last evaluated: 2022-07-14. Review status: no assertion criteria provided. Collection method: clinical testing. Allele origin: germline. Affected: no. Not counted in ClinVar's aggregate classification.
Comment: DNA sequence analysis of the NPHP1 gene demonstrated a sequence change, c.356A>G, in exon 5 that results in an amino acid change, p.Glu119Gly. This sequence change does not appear to have been previously described in individuals with NPHP1-related disorders and has been described in the gnomAD database with a frequency of 0.0008% in the overall population (dbSNP rs745835094). The p.Glu119Gly change affects a poorly conserved amino acid residue located in a domain of the NPHP1 protein that is not known to be functional. The p.Glu119Gly substitution appears to be benign using several in-silico pathogenicity prediction tools (SIFT, PolyPhen2, Align GVGD, REVEL). Due to insufficient evidence, the clinical significance of the p.Glu119Gly change remains unknown at this time.

NM_001128178.3(NPHP1):c.356A>G (p.Glu119Gly)

Gene: NPHP1 (nephrocystin 1; minus strand). Cytogenetic location: 2q13.
Variant type: single nucleotide variant.
Coding change: c.356A>G on transcript NM_001128178.3 (MANE Select); coding-DNA position 356, A replaced by G.
Protein change: p.Glu119Gly; replaces glutamic acid 119 with glycine.
Molecular consequence: missense variant.
Genome position (GRCh38, 1-based): chr2:110,169,972, T>C on the plus strand (A>G on the coding strand, the complement: NPHP1 is on the minus strand). VCF-style: chr2-110169972-T-C. GRCh37 (hg19) VCF-style: chr2-110927549-T-C.
Other names: c.356A>G, p.Glu119Gly (NM_000272.5, NM_001374256.1, NM_001374257.1 and 1 more transcripts); c.170A>G, p.Glu57Gly (NM_001128179.3); c.356A>G (NM_000272.4); short protein forms E57G, E119G.
Identifiers: ClinVar variation 1480915 (VCV001480915.8), dbSNP rs745835094, ClinGen allele CA1827407.